The following is an entry in ClinVar:

NM_198253.3(TERT):c.1462C>T (p.Leu488Phe)

Gene: TERT (telomerase reverse transcriptase; minus strand). Cytogenetic location: 5p15.33.
Variant type: single nucleotide variant.
Coding change: c.1462C>T on transcript NM_198253.3 (MANE Select); coding-DNA position 1462, C replaced by T.
Protein change: p.Leu488Phe; replaces leucine 488 with phenylalanine.
Molecular consequence: missense variant. On other transcripts: non-coding transcript variant (2).
Genome position (GRCh38, 1-based): chr5:1,293,424, G>A on the plus strand (C>T on the coding strand, the complement: TERT is on the minus strand). VCF-style: chr5-1293424-G-A. GRCh37 (hg19) VCF-style: chr5-1293539-G-A.
Other names: c.1462C>T, p.Leu488Phe (NM_001193376.3); short protein forms L488F.
Identifiers: ClinVar variation 436987 (VCV000436987.16), dbSNP rs746216837, ClinGen allele CA3184839.
Genomic context (GRCh38, chr5:1,293,424, plus strand): 5'-GCTCCTGCAGCGAGAGCTTGGCATGCTTCCCCAGGGAGATGAACTTCTTGGTGTTCCTGA[G>A]GAAGCGGCGTTCGTTGTGCCTGGAGCCCCAGAGGCCTGGGGGCACCAGCCGGCGCAGGCA-3'
Protein context (NP_937983.2, residues 478-498): WGSRHNERRF[Leu488Phe]RNTKKFISLG

ClinVar aggregate classification (germline): Conflicting classifications of pathogenicity. Review status: criteria provided, conflicting classifications (1 of 4 stars). 3 submissions from 3 submitters: Uncertain significance (2); Likely benign (1). Last evaluated 2024-08-27.

Conditions:
Dyskeratosis congenita, autosomal dominant 2. Identifiers: MedGen C3151443, MONDO:0013521, OMIM 613989.
Idiopathic Pulmonary Fibrosis. Also called: Idiopathic fibrosing alveolitis, chronic form; idiopathic fibrosing alveolitis. Identifiers: Orphanet 2032, MedGen C1800706, MeSH D054990, MONDO:0800504.
Dyskeratosis congenita. Identifiers: Orphanet 1775, MedGen C0265965, MONDO:0015780.

Allele frequency attached by ClinVar (database versions not stated): gnomAD exomes below 0.00001 and 0.00001; ExAC 0.00001; TOPMed 0.00001.
gnomAD v4.1: 1 of 1,612,914 alleles (0.000062%); highest among the groups gnomAD compares: South Asian, 0.0011%; no homozygotes.

Submissions (3):

Ambry Genetics
Classification: Uncertain significance for Dyskeratosis congenita. Last evaluated: 2024-08-27. Review status: criteria provided, single submitter. Criteria: Ambry Variant Classification Scheme 2023. Collection method: clinical testing. Allele origin: germline.
Comment: The p.L488F variant (also known as c.1462C>T), located in coding exon 2 of the TERT gene, results from a C to T substitution at nucleotide position 1462. The leucine at codon 488 is replaced by phenylalanine, an amino acid with highly similar properties. This amino acid position is conserved. In addition, this alteration is predicted to be tolerated by in silico analysis. Based on the available evidence, the clinical significance of this variant remains unclear.

Labcorp Genetics (formerly Invitae), Labcorp
Classification: Likely benign for Dyskeratosis congenita, autosomal dominant 2; Idiopathic Pulmonary Fibrosis. Last evaluated: 2023-02-16. Review status: criteria provided, single submitter. Criteria: Invitae Variant Classification Sherloc (09022015). Collection method: clinical testing. Allele origin: germline.

Genetic Services Laboratory, University of Chicago
Classification: Uncertain significance. Last evaluated: 2016-11-30. Review status: criteria provided, single submitter. Criteria: ACMG Guidelines, 2015. Collection method: clinical testing. Allele origin: germline. Affected: no.